The following is an entry in ClinVar:

NM_007327.4(GRIN1):c.2222C>A (p.Ser741Ter)

Gene: GRIN1 (glutamate ionotropic receptor NMDA type subunit 1; plus strand). Cytogenetic location: 9q34.3.
Variant type: single nucleotide variant.
Coding change: c.2222C>A on transcript NM_007327.4 (MANE Select); coding-DNA position 2222, C replaced by A.
Protein change: p.Ser741Ter; replaces serine 741 with a stop codon.
Molecular consequence: nonsense.
Genome position (GRCh38, 1-based): chr9:137,163,219, C>A. VCF-style: chr9-137163219-C-A. GRCh37 (hg19) VCF-style: chr9-140057671-C-A.
Other names: c.2222C>A, p.Ser741Ter (NM_000832.7, NM_021569.4); c.2285C>A, p.Ser762Ter (NM_001185090.2, NM_001185091.2, NM_001437330.1 and 1 more transcripts); short protein forms S741*, S762*.
Identifiers: ClinVar variation 5019633 (VCV005019633.2).
Genomic context (GRCh38, chr9:137,163,219, plus strand): 5'-CTGCCGGCAGCAAGCTGCATGCCTTCATCTGGGACTCGGCGGTGCTGGAGTTCGAGGCCT[C>A]GCAGAAGTGCGACCTGGTGACGACTGGAGAGCTGTTTTTCCGCTCGGGCTTCGGCATAGG-3'

ClinVar aggregate classification (germline): Likely pathogenic (1 of 4 stars; one submission).

Conditions:
Developmental and epileptic encephalopathy 101 (DEE101). Identifiers: MedGen C5676955, MONDO:0030727, OMIM 619814.

Submission:

Juno Genomics, Hangzhou Juno Genomics, Inc
Classification: Likely pathogenic for Developmental and epileptic encephalopathy 101. Review status: criteria provided, single submitter. Criteria: ACMG Guidelines, 2015. Collection method: clinical testing. Allele origin: germline.
Comment: Absent from controls (or at extremely low frequency if recessive) in Genome Aggregation Database.;Null variant in a gene where loss of function (LOF) is a known mechanism of disease.